The following is an entry in ClinVar:

ClinVar aggregate classification (germline): Uncertain significance. Review status: criteria provided, multiple submitters, no conflicts (2 of 4 stars). 3 submissions from 3 submitters: Uncertain significance (3). Last evaluated 2025-11-11.

Conditions:
Inborn genetic diseases. Identifiers: MedGen C0950123, MeSH D030342.

gnomAD v4.1: 25 of 1,613,528 alleles (0.0015%); highest among the groups gnomAD compares: Non-Finnish European, 0.002%; no homozygotes.

Submissions (3):

Ambry Genetics
Classification: Uncertain significance for Inborn genetic diseases. Last evaluated: 2025-11-11. Review status: criteria provided, single submitter. Criteria: Ambry Variant Classification Scheme 2023. Collection method: clinical testing. Allele origin: germline.

Labcorp Genetics (formerly Invitae), Labcorp
Classification: Uncertain significance. Last evaluated: 2025-09-02. Review status: criteria provided, single submitter. Criteria: Invitae Variant Classification Sherloc (09022015). Collection method: clinical testing. Allele origin: germline.
Comment: This sequence change replaces proline, which is neutral and non-polar, with alanine, which is neutral and non-polar, at codon 28 of the CEACAM16 protein (p.Pro28Ala). This variant is present in population databases (rs746286359, gnomAD 0.003%). This variant has not been reported in the literature in individuals affected with CEACAM16-related conditions. ClinVar contains an entry for this variant (Variation ID: 1496986). Invitae Evidence Modeling of protein sequence and biophysical properties (such as structural, functional, and spatial information, amino acid conservation, physicochemical variation, residue mobility, and thermodynamic stability) indicates that this missense variant is not expected to disrupt CEACAM16 protein function with a negative predictive value of 80%. In summary, the available evidence is currently insufficient to determine the role of this variant in disease. Therefore, it has been classified as a Variant of Uncertain Significance.

GeneDx
Classification: Uncertain significance. Last evaluated: 2025-08-05. Review status: criteria provided, single submitter. Criteria: GeneDx Variant Classification Process June 2021. Collection method: clinical testing. Allele origin: germline.
Comment: In silico analysis supports that this missense variant has a deleterious effect on protein structure/function; Has not been previously published as pathogenic or benign to our knowledge

NM_001039213.4(CEACAM16):c.82C>G (p.Pro28Ala)

Genes: CEACAM16 (CEA cell adhesion molecule 16, tectorial membrane component; plus strand), CEACAM16-AS1 (CEACAM16, CEACAM19 and PVR antisense RNA 1; minus strand). Cytogenetic location: 19q13.32.
Variant type: single nucleotide variant.
Coding change: c.82C>G on transcript NM_001039213.4 (MANE Select); coding-DNA position 82, C replaced by G.
Protein change: p.Pro28Ala; replaces proline 28 with alanine.
Molecular consequence: missense variant.
Genome position (GRCh38, 1-based): chr19:44,703,393, C>G. VCF-style: chr19-44703393-C-G. GRCh37 (hg19) VCF-style: chr19-45206663-C-G.
Other names: c.82C>G (NM_001039213.3, NM_001039213.2); short protein forms P28A.
Identifiers: ClinVar variation 1496986 (VCV001496986.9), dbSNP rs746286359, ClinGen allele CA9502942.